The following is an entry in ClinVar:

ClinVar aggregate classification (germline): Likely benign. Review status: criteria provided, multiple submitters, no conflicts (2 of 4 stars). 2 submissions from 2 submitters: Likely benign (2). Last evaluated 2022-03-22.

Conditions:
Autosomal recessive early-onset Parkinson disease 6 (PARK6). Also called: PARKINSON DISEASE 6, EARLY-ONSET; PINK1 Type of Young-Onset Parkinson Disease; PINK1-Related Parkinson Disease; PARKINSON DISEASE 6, MODIFIER OF. Identifiers: Orphanet 2828, MedGen C1853833, MONDO:0011613, OMIM 605909.

Allele frequency attached by ClinVar (database versions not stated): gnomAD exomes 0.00146; 1000 Genomes Project 0.00978; 1000 Genomes Project 30x 0.00984; gnomAD 0.01096 and 0.01178; TOPMed 0.01243.
gnomAD v4.1: 1,995 of 372,384 alleles (0.54%); highest among the groups gnomAD compares: African/African-American, 3.7%; 33 homozygotes.

Submissions (2):

GeneDx
Classification: Likely benign. Last evaluated: 2022-03-22. Review status: criteria provided, single submitter. Criteria: GeneDx Variant Classification Process June 2021. Collection method: clinical testing. Allele origin: germline. Affected: yes.

Illumina Laboratory Services, Illumina
Classification: Likely benign for Autosomal recessive early-onset Parkinson disease 6. Last evaluated: 2018-01-13. Review status: criteria provided, single submitter. Criteria: ICSL Variant Classification Criteria 13 December 2019. Collection method: clinical testing. Allele origin: germline.
Comment: This variant was observed in the ICSL laboratory as part of a predisposition screen in an ostensibly healthy population. It had not been previously curated by ICSL or reported in the Human Gene Mutation Database (HGMD: prior to June 1st, 2018), and was therefore a candidate for classification through an automated scoring system. Utilizing variant allele frequency, disease prevalence and penetrance estimates, and inheritance mode, an automated score was calculated to assess if this variant is too frequent to cause the disease. Based on the score and internal cut-off values, a variant classified as likely benign is not then subjected to further curation. The score for this variant resulted in a classification of likely benign for this disease.

NM_032409.3(PINK1):c.*349G>C

Genes: PINK1 (PTEN induced kinase 1; plus strand), PINK1-AS (PINK1 antisense RNA; minus strand). Cytogenetic location: 1p36.12.
Variant type: single nucleotide variant.
Coding change: c.*349G>C on transcript NM_032409.3 (MANE Select); 349 bases downstream of the stop codon, G replaced by C.
Molecular consequence: 3 prime UTR variant. On other transcripts: non-coding transcript variant (1).
Genome position (GRCh38, 1-based): chr1:20,651,040, G>C. VCF-style: chr1-20651040-G-C. GRCh37 (hg19) VCF-style: chr1-20977533-G-C.
Identifiers: ClinVar variation 295016 (VCV000295016.6), dbSNP rs114112086, ClinGen allele CA10608866.